The following is an entry in ClinVar:

ClinVar aggregate classification (germline): Uncertain significance. Review status: criteria provided, multiple submitters, no conflicts (2 of 4 stars). 6 submissions from 4 submitters: Uncertain significance (6). Last evaluated 2025-12-05.

Conditions:
Hereditary spherocytosis type 3. Also called: Spherocytosis type 3; SPTA1-Related Spherocytosis. Identifiers: Orphanet 822, MedGen C2678338, MONDO:0010053, OMIM 270970.
Pyropoikilocytosis, hereditary. Also called: Pyropoikilocytosis. Identifiers: MedGen C0520739, MONDO:0009948, OMIM 266140, HP:0004839. Disease mechanism: loss of function.
Elliptocytosis 2 (EL2). Also called: ELLIPTOCYTOSIS, RHESUS-UNLINKED TYPE. Identifiers: Orphanet 288, MedGen C1851741, MONDO:0007533, OMIM 130600.

Allele frequency attached by ClinVar (database versions not stated): TOPMed 0.00007; ESP Exome Variant Server 0.00008; ExAC 0.00009; 1000 Genomes Project 30x 0.00016; 1000 Genomes Project 0.00020.
gnomAD v4.1: 134 of 1,613,056 alleles (0.0083%); highest among the groups gnomAD compares: East Asian, 0.029%; no homozygotes.

Submissions (6):

Labcorp Genetics (formerly Invitae), Labcorp
Classification: Uncertain significance. Last evaluated: 2025-12-05. Review status: criteria provided, single submitter. Criteria: Invitae Variant Classification Sherloc (09022015). Collection method: clinical testing. Allele origin: germline.
Comment: This sequence change replaces valine, which is neutral and non-polar, with phenylalanine, which is neutral and non-polar, at codon 9 of the SPTA1 protein (p.Val9Phe). This variant is present in population databases (rs111321033, gnomAD 0.06%). This variant has not been reported in the literature in individuals affected with SPTA1-related conditions. ClinVar contains an entry for this variant (Variation ID: 293061). An algorithm developed to predict the effect of missense changes on protein structure and function (PolyPhen-2) suggests that this variant is likely to be tolerated. In summary, the available evidence is currently insufficient to determine the role of this variant in disease. Therefore, it has been classified as a Variant of Uncertain Significance.

Revvity Omics, Revvity
Classification: Uncertain significance. Last evaluated: 2023-09-12. Review status: criteria provided, single submitter. Criteria: ACMG Guidelines, 2015. Collection method: clinical testing. Allele origin: germline.

Mayo Clinic Laboratories, Mayo Clinic
Classification: Uncertain significance. Last evaluated: 2020-02-23. Review status: criteria provided, single submitter. Criteria: ACMG Guidelines, 2015. Collection method: clinical testing. Allele origin: germline. Observed: 1 variant allele.

Illumina Laboratory Services, Illumina
Classification: Uncertain significance for Elliptocytosis 2. Last evaluated: 2018-01-12. Review status: criteria provided, single submitter. Criteria: ICSL Variant Classification Criteria 13 December 2019. Collection method: clinical testing. Allele origin: germline.

Illumina Laboratory Services, Illumina
Classification: Uncertain significance for Hereditary spherocytosis type 3. Last evaluated: 2018-01-12. Review status: criteria provided, single submitter. Criteria: ICSL Variant Classification Criteria 13 December 2019. Collection method: clinical testing. Allele origin: germline.

Illumina Laboratory Services, Illumina
Classification: Uncertain significance for Pyropoikilocytosis, hereditary. Last evaluated: 2018-01-12. Review status: criteria provided, single submitter. Criteria: ICSL Variant Classification Criteria 13 December 2019. Collection method: clinical testing. Allele origin: germline.

NM_003126.4(SPTA1):c.25G>T (p.Val9Phe)

Gene: SPTA1 (spectrin alpha, erythrocytic 1; minus strand). Cytogenetic location: 1q23.1.
Variant type: single nucleotide variant.
Coding change: c.25G>T on transcript NM_003126.4 (MANE Select); coding-DNA position 25, G replaced by T.
Protein change: p.Val9Phe; replaces valine 9 with phenylalanine.
Molecular consequence: missense variant.
Genome position (GRCh38, 1-based): chr1:158,685,347, C>A on the plus strand (G>T on the coding strand, the complement: SPTA1 is on the minus strand). VCF-style: chr1-158685347-C-A. GRCh37 (hg19) VCF-style: chr1-158655137-C-A.
Other names: short protein forms V9F.
Identifiers: ClinVar variation 293061 (VCV000293061.13), dbSNP rs111321033, ClinGen allele CA1184272.